The following is an entry in ClinVar:

ClinVar aggregate classification (germline): Pathogenic/Likely pathogenic. Review status: criteria provided, multiple submitters, no conflicts (2 of 4 stars). 3 submissions from 3 submitters: Pathogenic (1); Likely pathogenic (2). Last evaluated 2025-01-20.

Conditions:
Fanconi anemia complementation group A (FANCA). Also called: FANCA-Related Fanconi Anemia; Fanconi anemia, group A. Identifiers: Orphanet 84, MedGen C3469521, MONDO:0009215, OMIM 227650.
Fanconi anemia (FA). Also called: Fanconi's anemia. Identifiers: Orphanet 84, MedGen C0015625, MeSH D005199, MONDO:0019391.

Allele frequency attached by ClinVar (database versions not stated): gnomAD exomes below 0.00001.

Submissions (3):

Revvity Omics, Revvity
Classification: Likely pathogenic for Fanconi anemia complementation group A. Last evaluated: 2025-01-20. Review status: criteria provided, single submitter. Criteria: ACMG Guidelines, 2015. Collection method: clinical testing. Allele origin: germline.

Laboratory for Molecular Medicine, Mass General Brigham Personalized Medicine
Classification: Likely pathogenic for Fanconi anemia. Last evaluated: 2022-11-03. Review status: criteria provided, single submitter. Criteria: ACMG Guidelines, 2015. Collection method: clinical testing. Allele origin: germline.
Comment: The p.Cys1091X variant in FANCA has not been reported in individuals with Fanconi anemia and was absent from large population studies. This nonsense variant leads to a premature termination codon at position 1091, which is predicted to lead to a truncated or absent protein. Loss of function of the FANCA gene is an established disease mechanism in autosomal recessive Fanconi anemia. In summary, although additional studies are required to fully establish its clinical significance, this variant meets criteria to be classified as likely pathogenic for autosomal recessive Fanconi anemia. ACMG/AMP Criteria applied: PM2_Supporting, PVS1.

Labcorp Genetics (formerly Invitae), Labcorp
Classification: Pathogenic for Fanconi anemia. Last evaluated: 2021-03-02. Review status: criteria provided, single submitter. Criteria: Invitae Variant Classification Sherloc (09022015). Collection method: clinical testing. Allele origin: germline.
Comment: This sequence change creates a premature translational stop signal (p.Cys1091*) in the FANCA gene. It is expected to result in an absent or disrupted protein product. Loss-of-function variants in FANCA are known to be pathogenic (PMID: 19367192). This variant is not present in population databases (ExAC no frequency). This variant has not been reported in the literature in individuals with FANCA-related conditions. Algorithms developed to predict the effect of sequence changes on RNA splicing suggest that this variant may create or strengthen a splice site, but this prediction has not been confirmed by published transcriptional studies. For these reasons, this variant has been classified as Pathogenic.

Literature cited by the submitters: PubMed 19367192 (cited by Labcorp Genetics (formerly Invitae), Labcorp).

NM_000135.4(FANCA):c.3273C>A (p.Cys1091Ter)

Gene: FANCA (FA complementation group A; minus strand). Cytogenetic location: 16q24.3.
Variant type: single nucleotide variant.
Coding change: c.3273C>A on transcript NM_000135.4 (MANE Select); coding-DNA position 3273, C replaced by A.
Protein change: p.Cys1091Ter; replaces cysteine 1091 with a stop codon.
Molecular consequence: nonsense.
Genome position (GRCh38, 1-based): chr16:89,748,734, G>T on the plus strand (C>A on the coding strand, the complement: FANCA is on the minus strand). VCF-style: chr16-89748734-G-T. GRCh37 (hg19) VCF-style: chr16-89815142-G-T.
Other names: c.3273C>A, p.Cys1091Ter (NM_001286167.3); short protein forms C1091*.
Identifiers: ClinVar variation 1456836 (VCV001456836.8), dbSNP rs1450151864, ClinGen allele CA397486347.